The following is an entry in ClinVar:

ClinVar aggregate classification (germline): Uncertain significance (1 of 4 stars; one submission).

Conditions:
Inborn genetic diseases. Identifiers: MedGen C0950123, MeSH D030342.

Allele frequency attached by ClinVar (database versions not stated): TOPMed below 0.00001.

Submission:

Ambry Genetics
Classification: Uncertain significance for Inborn genetic diseases. Last evaluated: 2020-03-20. Review status: criteria provided, single submitter. Criteria: Ambry Variant Classification Scheme 2023. Collection method: clinical testing. Allele origin: germline.
Comment: The p.A990G variant (also known as c.2969C>G), located in coding exon 19 of the INF2 gene, results from a C to G substitution at nucleotide position 2969. The alanine at codon 990 is replaced by glycine, an amino acid with similar properties. This amino acid position is well conserved in available vertebrate species. In addition, this alteration is predicted to be tolerated by in silico analysis. Since supporting evidence is limited at this time, the clinical significance of this alteration remains unclear.

NM_022489.4(INF2):c.2969C>G (p.Ala990Gly)

Gene: INF2 (inverted formin 2; plus strand). Cytogenetic location: 14q32.33.
Variant type: single nucleotide variant.
Coding change: c.2969C>G on transcript NM_022489.4 (MANE Select); coding-DNA position 2969, C replaced by G.
Protein change: p.Ala990Gly; replaces alanine 990 with glycine.
Molecular consequence: missense variant.
Genome position (GRCh38, 1-based): chr14:104,713,535, C>G. VCF-style: chr14-104713535-C-G. GRCh37 (hg19) VCF-style: chr14-105179872-C-G.
Other names: c.2969C>G, p.Ala990Gly (NM_001031714.4); short protein forms A990G.
Identifiers: ClinVar variation 1798249 (VCV001798249.2), dbSNP rs1317504237, ClinGen allele CA391223035.